The following is an entry in ClinVar:

ClinVar aggregate classification (germline): Pathogenic (1 of 4 stars; one submission).

Conditions:
Duchenne muscular dystrophy (DMD). Also called: MUSCULAR DYSTROPHY, PSEUDOHYPERTROPHIC PROGRESSIVE, DUCHENNE TYPE; Duchenne Muscular Dystrophy (DMD). Identifiers: Orphanet 98896, MedGen C0013264, MONDO:0010679, OMIM 310200.

Submission:

Labcorp Genetics (formerly Invitae), Labcorp
Classification: Pathogenic for Duchenne muscular dystrophy. Last evaluated: 2021-08-31. Review status: criteria provided, single submitter. Criteria: Invitae Variant Classification Sherloc (09022015). Collection method: clinical testing. Allele origin: germline.
Comment: For these reasons, this variant has been classified as Pathogenic. This variant has not been reported in the literature in individuals affected with DMD-related conditions. This variant is not present in population databases (ExAC no frequency). This sequence change creates a premature translational stop signal (p.Cys3174Argfs*13) in the DMD gene. It is expected to result in an absent or disrupted protein product. Loss-of-function variants in DMD are known to be pathogenic (PMID: 16770791, 25007885).

Literature cited by the submitters: PubMed 16770791; PubMed 25007885.

NM_004006.3(DMD):c.9519_9520del (p.Cys3174fs)

Gene: DMD (dystrophin; minus strand). Cytogenetic location: Xp21.2.
Variant type: Microsatellite.
Coding change: c.9519_9520del on transcript NM_004006.3 (MANE Select); coding-DNA positions 9519 to 9520, 2 bases deleted (CT; older notation c.9519_9520delCT).
Protein change: p.Cys3174fs; shifts the reading frame from cysteine 3174.
Molecular consequence: frameshift variant.
Genome position (GRCh38, 1-based): chrX:31,209,541-31,209,542, AG deleted on the plus strand (CT on the coding strand, the reverse complement: DMD is on the minus strand); deleting any 2 consecutive bases within chrX:31,209,541-31,209,546 gives the same sequence; the c. name uses the placement nearest the transcript's 3' end. VCF-style (leftmost placement, unchanged base first): chrX-31209540-CAG-C. GRCh37 (hg19) VCF-style: chrX-31227657-CAG-C.
Other names: c.9495_9496del, p.Cys3166fs (NM_000109.4); c.9507_9508del, p.Cys3170fs (NM_004009.3); c.9150_9151del, p.Cys3051fs (NM_004010.3); c.5496_5497del, p.Cys1833fs (NM_004011.4); c.5487_5488del, p.Cys1830fs (NM_004012.4); c.2139_2140del, p.Cys714fs (NM_004013.3, NM_004020.4, NM_004021.3 and 2 more transcripts); c.1332_1333del, p.Cys445fs (NM_004014.3); c.315_316del, p.Cys106fs (NM_004015.3, NM_004016.3, NM_004017.3 and 2 more transcripts); short protein forms C1830fs, C1833fs, C3166fs, C3170fs, C3174fs, C445fs, C714fs, C106fs.
Identifiers: ClinVar variation 1422539 (VCV001422539.6), dbSNP rs2148591114, ClinGen allele CA2580616923.